The following is an entry in ClinVar:

NM_001370298.3(FGD4):c.536A>G (p.Glu179Gly)

Gene: FGD4 (FYVE, RhoGEF and PH domain containing 4; plus strand). Cytogenetic location: 12p11.21.
Variant type: single nucleotide variant.
Coding change: c.536A>G on transcript NM_001370298.3 (MANE Select); coding-DNA position 536, A replaced by G.
Protein change: p.Glu179Gly; replaces glutamic acid 179 with glycine.
Molecular consequence: missense variant. On other transcripts: 5 prime UTR variant (5), non-coding transcript variant (1), intron variant (1).
Genome position (GRCh38, 1-based): chr12:32,581,992, A>G. VCF-style: chr12-32581992-A-G. GRCh37 (hg19) VCF-style: chr12-32734926-A-G.
Other names: c.380A>G, p.Glu127Gly (NM_001304481.2); c.-720A>G (NM_001304483.2); c.-1027A>G (NM_001304484.2); c.-155A>G (NM_001330373.2, NM_001330374.2, NM_001384130.1); c.536A>G, p.Glu179Gly (NM_001384126.1); c.125A>G, p.Glu42Gly (NM_001384127.1, NM_001384128.1, NM_001384131.1 and 3 more transcripts); c.49-16505A>G (NM_001370297.1); short protein forms E179G, E42G, E127G.
Identifiers: ClinVar variation 2000943 (VCV002000943.4), dbSNP rs2540545743, ClinGen allele CA384355575.

ClinVar aggregate classification (germline): Uncertain significance (1 of 4 stars; one submission).

Conditions:
Charcot-Marie-Tooth disease type 4. Also called: Charcot-Marie-Tooth disease, type IV; Charcot-Marie-Tooth, Type 4. Identifiers: Orphanet 64749, MedGen C4082197, MONDO:0018995.

Allele frequency attached by ClinVar (database versions not stated): gnomAD exomes 0.00001.
gnomAD v4.1: 4 of 1,614,234 alleles (0.00025%); highest among the groups gnomAD compares: Non-Finnish European, 0.00034%; no homozygotes.

Submission:

Labcorp Genetics (formerly Invitae), Labcorp
Classification: Uncertain significance for Charcot-Marie-Tooth disease type 4. Last evaluated: 2022-05-30. Review status: criteria provided, single submitter. Criteria: Invitae Variant Classification Sherloc (09022015). Collection method: clinical testing. Allele origin: germline.
Comment: This sequence change replaces glutamic acid, which is acidic and polar, with glycine, which is neutral and non-polar, at codon 42 of the FGD4 protein (p.Glu42Gly). This variant is not present in population databases (gnomAD no frequency). This variant has not been reported in the literature in individuals affected with FGD4-related conditions. Algorithms developed to predict the effect of missense changes on protein structure and function are either unavailable or do not agree on the potential impact of this missense change (SIFT: "Deleterious"; PolyPhen-2: "Benign"; Align-GVGD: "Class C15"). In summary, the available evidence is currently insufficient to determine the role of this variant in disease. Therefore, it has been classified as a Variant of Uncertain Significance.